The following is an entry in ClinVar:

NM_007294.4(BRCA1):c.3876_3877del (p.Ser1292_Ala1293insTer)

Genes: BRCA1 (BRCA1 DNA repair associated; minus strand), LOC126862571 (BRD4-independent group 4 enhancer GRCh37_chr17:41243136-41244335; plus strand). Cytogenetic location: 17q21.31.
Variant type: Deletion.
Coding change: c.3876_3877del on transcript NM_007294.4 (MANE Select); coding-DNA positions 3876 to 3877, 2 bases deleted (TG; older notation c.3876_3877delTG).
Protein change: p.Ser1292_Ala1293insTer.
Molecular consequence: frameshift variant. On other transcripts: intron variant (135).
Genome position (GRCh38, 1-based): chr17:43,091,654-43,091,655, CA deleted on the plus strand (TG on the coding strand, the reverse complement: BRCA1 is on the minus strand). VCF-style (leftmost placement, unchanged base first): chr17-43091653-GCA-G. GRCh37 (hg19) VCF-style: chr17-41243670-GCA-G.
Other names: c.3798_3799del, p.Ser1266_Ala1267insTer (NM_001407653.1, NM_001407654.1, NM_001407655.1 and 4 more transcripts); c.3795_3796del, p.Ser1265_Ala1266insTer (NM_001407659.1, NM_001407660.1, NM_001407661.1 and 1 more transcripts); c.3753_3754del, p.Ser1251_Ala1252insTer (NM_001407665.1, NM_001407666.1, NM_001407667.1 and 19 more transcripts); c.3750_3751del, p.Ser1250_Ala1251insTer (NM_001407670.1, NM_001407671.1, NM_001407672.1 and 11 more transcripts); c.3663_3664del, p.Ser1221_Ala1222insTer (NM_001407571.1, NM_001407853.1, NM_001407894.1 and 9 more transcripts); c.3876_3877del, p.Ser1292_Ala1293insTer (NM_001407581.1, NM_001407582.1, NM_001407583.1 and 30 more transcripts); c.3873_3874del, p.Ser1291_Ala1292insTer (NM_001407587.1, NM_001407590.1, NM_001407591.1 and 22 more transcripts); c.3867_3868del, p.Ser1289_Ala1290insTer (NM_001407646.1, NM_001407647.1); and 41 more.
Identifiers: ClinVar variation 642924 (VCV000642924.8), dbSNP rs1597860714, ClinGen allele CA915950097.

ClinVar aggregate classification (germline): Pathogenic (1 of 4 stars; one submission).

Conditions:
Hereditary breast ovarian cancer syndrome. Also called: Hereditary breast and ovarian cancer; Hereditary breast and ovarian cancer syndrome; Hereditary breast and ovarian cancer syndrome (HBOC); Hereditary breast and/or ovarian cancer syndrome; Breast and ovarian cancer; BRCA1- and BRCA2-Associated Hereditary Breast and Ovarian Cancer. Identifiers: Orphanet 145, MedGen C0677776, MeSH D061325, MONDO:0003582. Disease mechanism: loss of function.

Submission:

Labcorp Genetics (formerly Invitae), Labcorp
Classification: Pathogenic for Hereditary breast ovarian cancer syndrome. Last evaluated: 2018-10-20. Review status: criteria provided, single submitter. Criteria: Invitae Variant Classification Sherloc (09022015). Collection method: clinical testing. Allele origin: germline.
Comment: For these reasons, this variant has been classified as Pathogenic. Loss-of-function variants in BRCA1 are known to be pathogenic (PMID: 20104584). This variant has not been reported in the literature in individuals with BRCA1-related disease. This variant is not present in population databases (ExAC no frequency). This sequence change creates a premature translational stop signal (p.Ala1293*) in the BRCA1 gene. It is expected to result in an absent or disrupted protein product.

Literature cited by the submitters: PubMed 20104584.